The following is an entry in ClinVar:

NM_000548.5(TSC2):c.4834_4850-95del

Gene: TSC2 (TSC complex subunit 2; plus strand). Cytogenetic location: 16p13.3.
Variant type: Deletion.
Coding change: c.4834_4850-95del on transcript NM_000548.5 (MANE Select); coding-DNA position 4834 through 95 bases into the intron before coding-DNA position 4850, 274 bases deleted.
Molecular consequence: splice donor variant.
Genome position (GRCh38, 1-based): chr16:2,086,364-2,086,637, 274 bases deleted. GRCh37 (hg19): chr16:2,136,365-2,136,638.
Other names: c.4765_4781-95del (NM_001114382.3); c.4705_4721-95del (NM_021055.3, NM_001370405.1); c.4636_4652-95del (NM_001363528.2); c.4702_4718-95del (NM_001370404.1); c.4633_4649-95del (NM_001077183.3); c.4525_4541-95del (NM_001318827.2); c.4102_4118-95del (NM_001318831.2); c.4489_4505-95del (NM_001318829.2); and 1 more.
Identifiers: ClinVar variation 1068040 (VCV001068040.7), dbSNP rs2151576283, ClinGen allele CA2499223347.

ClinVar aggregate classification (germline): Pathogenic (1 of 4 stars; one submission).

Conditions:
Tuberous sclerosis 2 (TSC2). Identifiers: Orphanet 805, MedGen C1860707, MONDO:0013199, OMIM 613254.

Submission:

Labcorp Genetics (formerly Invitae), Labcorp
Classification: Pathogenic for Tuberous sclerosis 2. Last evaluated: 2022-08-16. Review status: criteria provided, single submitter. Criteria: Invitae Variant Classification Sherloc (09022015). Collection method: clinical testing. Allele origin: germline.
Comment: This variant is not present in population databases (gnomAD no frequency). This variant results in the deletion of part of exon 37 (c.4834_4850-95del) of the TSC2 gene. It is expected to disrupt RNA splicing. Variants that disrupt the donor or acceptor splice site typically lead to a loss of protein function (PMID: 16199547), and loss-of-function variants in TSC2 are known to be pathogenic (PMID: 10205261, 17304050). For these reasons, this variant has been classified as Pathogenic. This variant disrupts a region of the TSC2 protein in which other variant(s) (p.Ile1614del) have been determined to be pathogenic (PMID: 9463313, 22748302; Invitae). This suggests that this is a clinically significant region of the protein, and that variants that disrupt it are likely to be disease-causing. Algorithms developed to predict the effect of sequence changes on RNA splicing suggest that this variant may disrupt the consensus splice site. ClinVar contains an entry for this variant (Variation ID: 1068040). This variant has been observed in individual(s) with tuberous sclerosis complex (Invitae).

Literature cited by the submitters: PubMed 16199547; PubMed 10205261; PubMed 17304050; PubMed 9463313; PubMed 22748302.